The following is an entry in ClinVar:

NM_004415.4(DSP):c.6106A>G (p.Arg2036Gly)

Gene: DSP (desmoplakin; plus strand). Cytogenetic location: 6p24.3.
Variant type: single nucleotide variant.
Coding change: c.6106A>G on transcript NM_004415.4 (MANE Select); coding-DNA position 6106, A replaced by G.
Protein change: p.Arg2036Gly; replaces arginine 2036 with glycine.
Molecular consequence: missense variant.
Genome position (GRCh38, 1-based): chr6:7,583,368, A>G. VCF-style: chr6-7583368-A-G. GRCh37 (hg19) VCF-style: chr6-7583601-A-G.
Other names: c.6106A>G (NM_004415.2); c.4309A>G, p.Arg1437Gly (NM_001008844.3); c.4777A>G, p.Arg1593Gly (NM_001319034.2); short protein forms R1437G, R1593G, R2036G.
Identifiers: ClinVar variation 1491288 (VCV001491288.7), dbSNP rs2113699558, ClinGen allele CA362690088.

ClinVar aggregate classification (germline): Uncertain significance. Review status: criteria provided, multiple submitters, no conflicts (2 of 4 stars). 3 submissions from 3 submitters: Uncertain significance (3). Last evaluated 2024-06-07.

Conditions:
Cardiovascular phenotype. Identifiers: MedGen CN230736.
Arrhythmogenic right ventricular dysplasia 8 (ARVD8). Also called: ARRHYTHMOGENIC RIGHT VENTRICULAR DYSPLASIA, FAMILIAL, 8; ARRHYTHMOGENIC RIGHT VENTRICULAR CARDIOMYOPATHY 8; Arrhythmogenic Right Ventricular Dysplasia/Cardiomyopathy 8. Identifiers: MedGen C1843896, MONDO:0011831, OMIM 607450.
Arrhythmogenic cardiomyopathy with wooly hair and keratoderma. Also called: PALMOPLANTAR KERATODERMA WITH LEFT VENTRICULAR CARDIOMYOPATHY AND WOOLLY HAIR; Carvajal syndrome; Arrhythmogenic cardiomyopathy with woolly hair and keratoderma; Dilated cardiomyopathy with woolly hair and keratoderma. Identifiers: Orphanet 65282, MedGen C1854063, MONDO:0011581, OMIM 605676.

Allele frequency attached by ClinVar (database versions not stated): gnomAD exomes below 0.00001.
gnomAD v4.1: 3 of 1,614,180 alleles (0.00019%); highest among the groups gnomAD compares: Non-Finnish European, 0.00025%; no homozygotes.

Submissions (3):

Ambry Genetics
Classification: Uncertain significance for Cardiovascular phenotype. Last evaluated: 2024-06-07. Review status: criteria provided, single submitter. Criteria: Ambry Variant Classification Scheme 2023. Collection method: clinical testing. Allele origin: germline.
Comment: The p.R2036G variant (also known as c.6106A>G), located in coding exon 24 of the DSP gene, results from an A to G substitution at nucleotide position 6106. The arginine at codon 2036 is replaced by glycine, an amino acid with dissimilar properties. This amino acid position is conserved. In addition, the in silico prediction for this alteration is inconclusive. Based on the available evidence, the clinical significance of this variant remains unclear.

All of Us Research Program, National Institutes of Health
Classification: Uncertain significance for Arrhythmogenic cardiomyopathy with wooly hair and keratoderma. Last evaluated: 2024-01-11. Review status: criteria provided, single submitter. Criteria: ACMG Guidelines, 2015. Collection method: clinical testing. Allele origin: germline. Inheritance: Autosomal dominant inheritance. Observed: 1 variant allele, 1 heterozygote.
Comment: This study involves interpretation of variants in research participants for the purpose of population health screening. Participant phenotype was not available at the time of variant classification. Additional details can be found in publication PMID: 35346344, PMCID: PMC8962531

Labcorp Genetics (formerly Invitae), Labcorp
Classification: Uncertain significance for Arrhythmogenic cardiomyopathy with wooly hair and keratoderma; Arrhythmogenic right ventricular dysplasia 8. Last evaluated: 2021-09-01. Review status: criteria provided, single submitter. Criteria: Invitae Variant Classification Sherloc (09022015). Collection method: clinical testing. Allele origin: germline.
Comment: This sequence change replaces arginine with glycine at codon 2036 of the DSP protein (p.Arg2036Gly). The arginine residue is highly conserved and there is a moderate physicochemical difference between arginine and glycine. This variant is not present in population databases (ExAC no frequency). This variant has not been reported in the literature in individuals affected with DSP-related conditions. Algorithms developed to predict the effect of missense changes on protein structure and function (SIFT, PolyPhen-2, Align-GVGD) all suggest that this variant is likely to be disruptive. In summary, the available evidence is currently insufficient to determine the role of this variant in disease. Therefore, it has been classified as a Variant of Uncertain Significance.